The following is an entry in ClinVar:

NM_006929.5(SKIC2):c.511del (p.Glu171fs)

Gene: SKIC2 (SKI2 subunit of superkiller complex; plus strand). Cytogenetic location: 6p21.33.
Variant type: Deletion.
Coding change: c.511del on transcript NM_006929.5 (MANE Select); coding-DNA position 511, one base deleted (G; older notation c.511delG).
Protein change: p.Glu171fs; shifts the reading frame from glutamic acid 171.
Molecular consequence: frameshift variant.
Genome position (GRCh38, 1-based): chr6:31,960,707, G deleted; the last of 3 consecutive G bases (chr6:31,960,705-31,960,707); deleting any one gives the same sequence. VCF-style (leftmost placement, unchanged base first): chr6-31960704-CG-C. GRCh37 (hg19) VCF-style: chr6-31928481-CG-C.
Other names: short protein forms E171fs.
Identifiers: ClinVar variation 2753139 (VCV002753139.3), dbSNP rs1772433499, ClinGen allele CA1619377779.

ClinVar aggregate classification (germline): Pathogenic (1 of 4 stars; one submission).

Submission:

Labcorp Genetics (formerly Invitae), Labcorp
Classification: Pathogenic. Last evaluated: 2023-08-16. Review status: criteria provided, single submitter. Criteria: Invitae Variant Classification Sherloc (09022015). Collection method: clinical testing. Allele origin: germline.
Comment: This sequence change creates a premature translational stop signal (p.Glu171Argfs*7) in the SKIV2L gene. It is expected to result in an absent or disrupted protein product. Loss-of-function variants in SKIV2L are known to be pathogenic (PMID: 22444670). This variant is not present in population databases (gnomAD no frequency). This variant has not been reported in the literature in individuals affected with SKIV2L-related conditions. For these reasons, this variant has been classified as Pathogenic.

Literature cited by the submitters: PubMed 22444670.